The following is an entry in ClinVar:

ClinVar aggregate classification (germline): Conflicting classifications of pathogenicity. Review status: criteria provided, conflicting classifications (1 of 4 stars). 3 submissions from 3 submitters: Uncertain significance (2); Likely benign (1). Last evaluated 2025-09-22.

Conditions:
Inborn genetic diseases. Identifiers: MedGen C0950123, MeSH D030342.

Allele frequency attached by ClinVar (database versions not stated): ESP Exome Variant Server 0.00015.
gnomAD v4.1: 32 of 1,614,052 alleles (0.002%); highest among the groups gnomAD compares: Non-Finnish European, 0.0025%; no homozygotes.

Submissions (3):

Labcorp Genetics (formerly Invitae), Labcorp
Classification: Likely benign. Last evaluated: 2025-09-22. Review status: criteria provided, single submitter. Criteria: Invitae Variant Classification Sherloc (09022015). Collection method: clinical testing. Allele origin: germline.

GeneDx
Classification: Uncertain significance. Last evaluated: 2024-03-28. Review status: criteria provided, single submitter. Criteria: GeneDx Variant Classification Process June 2021. Collection method: clinical testing. Allele origin: germline. Affected: yes.
Comment: Has not been previously published as pathogenic or benign to our knowledge; In silico analysis supports that this missense variant has a deleterious effect on protein structure/function; Not located in the triple helical region, where the majority of pathogenic missense variants occur (HGMD)

Ambry Genetics
Classification: Uncertain significance for Inborn genetic diseases. Last evaluated: 2022-11-17. Review status: criteria provided, single submitter. Criteria: Ambry Variant Classification Scheme 2023. Collection method: clinical testing. Allele origin: germline.

NM_001844.5(COL2A1):c.4061A>T (p.Asn1354Ile)

Gene: COL2A1 (collagen type II alpha 1 chain; minus strand). Cytogenetic location: 12q13.11.
Variant type: single nucleotide variant.
Coding change: c.4061A>T on transcript NM_001844.5 (MANE Select); coding-DNA position 4061, A replaced by T.
Protein change: p.Asn1354Ile; replaces asparagine 1354 with isoleucine.
Molecular consequence: missense variant.
Genome position (GRCh38, 1-based): chr12:47,974,688, T>A on the plus strand (A>T on the coding strand, the complement: COL2A1 is on the minus strand). VCF-style: chr12-47974688-T-A. GRCh37 (hg19) VCF-style: chr12-48368471-T-A.
Other names: c.3854A>T, p.Asn1285Ile (NM_033150.3); short protein forms N1285I, N1354I.
Identifiers: ClinVar variation 1185971 (VCV001185971.12), dbSNP rs200621622, ClinGen allele CA6534575.